The following is an entry in ClinVar:

NM_001848.3(COL6A1):c.1740+3G>A

Gene: COL6A1 (collagen type VI alpha 1 chain; plus strand). Cytogenetic location: 21q22.3.
Variant type: single nucleotide variant.
Coding change: c.1740+3G>A on transcript NM_001848.3 (MANE Select); 3 bases into the intron after coding-DNA position 1740, G replaced by A.
Molecular consequence: intron variant.
Genome position (GRCh38, 1-based): chr21:45,999,221, G>A. VCF-style: chr21-45999221-G-A. GRCh37 (hg19) VCF-style: chr21-47419135-G-A.
Identifiers: ClinVar variation 2693758 (VCV002693758.3), dbSNP rs1314703448, ClinGen allele CA2697547586.

ClinVar aggregate classification (germline): Uncertain significance (1 of 4 stars; one submission).

Conditions:
Bethlem myopathy 1A. Also called: MYOPATHY, BENIGN CONGENITAL, WITH CONTRACTURES; Bethlem myopathy 1; Bethlem Muscular Dystrophy. Identifiers: Orphanet 610, MedGen CN029274, MONDO:0024530, OMIM 158810.

Submission:

Labcorp Genetics (formerly Invitae), Labcorp
Classification: Uncertain significance for Bethlem myopathy 1A. Last evaluated: 2023-06-06. Review status: criteria provided, single submitter. Criteria: Invitae Variant Classification Sherloc (09022015). Collection method: clinical testing. Allele origin: germline.
Comment: This sequence change falls in intron 26 of the COL6A1 gene. It does not directly change the encoded amino acid sequence of the COL6A1 protein. It affects a nucleotide within the consensus splice site. This variant is not present in population databases (gnomAD no frequency). In summary, the available evidence is currently insufficient to determine the role of this variant in disease. Therefore, it has been classified as a Variant of Uncertain Significance. Variants that disrupt the consensus splice site are a relatively common cause of aberrant splicing (PMID: 17576681, 9536098). Algorithms developed to predict the effect of sequence changes on RNA splicing suggest that this variant may disrupt the consensus splice site. This variant has not been reported in the literature in individuals affected with COL6A1-related conditions.

Literature cited by the submitters: PubMed 17576681; PubMed 9536098.